The following is an entry in ClinVar:

ClinVar aggregate classification (germline): Uncertain significance. Review status: criteria provided, multiple submitters, no conflicts (2 of 4 stars). 3 submissions from 3 submitters: Uncertain significance (3). Last evaluated 2026-01-12.

Conditions:
ANKRD1-related dilated cardiomyopathy. Identifiers: MedGen CN119551.
Cardiovascular phenotype. Identifiers: MedGen CN230736.

Allele frequency attached by ClinVar (database versions not stated): gnomAD exomes below 0.00001; TOPMed 0.00001.

Submissions (3):

Labcorp Genetics (formerly Invitae), Labcorp
Classification: Uncertain significance for ANKRD1-related dilated cardiomyopathy. Last evaluated: 2026-01-12. Review status: criteria provided, single submitter. Criteria: Invitae Variant Classification Sherloc (09022015). Collection method: clinical testing. Allele origin: germline.
Comment: This sequence change affects a donor splice site in intron 8 of the ANKRD1 gene. It is expected to disrupt RNA splicing. Variants that disrupt the donor or acceptor splice site typically lead to a loss of protein function (PMID: 16199547), however the current clinical and genetic evidence is not sufficient to establish whether loss-of-function variants in ANKRD1 cause disease. This variant is present in population databases (no rsID available, gnomAD 0.0009%). This variant has not been reported in the literature in individuals affected with ANKRD1-related conditions. ClinVar contains an entry for this variant (Variation ID: 477612). Algorithms developed to predict the effect of sequence changes on RNA splicing suggest that this variant may disrupt the consensus splice site. In summary, the available evidence is currently insufficient to determine the role of this variant in disease. Therefore, it has been classified as a Variant of Uncertain Significance.

Ambry Genetics
Classification: Uncertain significance for Cardiovascular phenotype. Last evaluated: 2023-02-13. Review status: criteria provided, single submitter. Criteria: Ambry Variant Classification Scheme 2023. Collection method: clinical testing. Allele origin: germline.
Comment: The c.849+1G>C intronic variant results from a G to C substitution one nucleotide after coding exon 8 of the ANKRD1 gene. This nucleotide position is highly conserved in available vertebrate species. In silico splice site analysis predicts that this alteration will weaken the native splice donor site. Alterations that disrupt the canonical splice site are expected to cause aberrant splicing, resulting in an abnormal protein or a transcript that is subject to nonsense-mediated mRNA decay. However, the evidence for this gene-disease relationship is limited; therefore, the clinical significance of this alteration is unclear.

GeneDx
Classification: Uncertain significance. Last evaluated: 2022-10-13. Review status: criteria provided, single submitter. Criteria: GeneDx Variant Classification Process June 2021. Collection method: clinical testing. Allele origin: germline. Affected: yes.
Comment: Not observed at significant frequency in large population cohorts (gnomAD); Canonical splice site variant in a gene or region of a gene for which loss of function is not a well-established mechanism of disease; Has not been previously published as pathogenic or benign to our knowledge

Literature cited by the submitters: PubMed 16199547 (cited by Labcorp Genetics (formerly Invitae), Labcorp).

NM_014391.3(ANKRD1):c.849+1G>C

Gene: ANKRD1 (ankyrin repeat domain 1; minus strand). Cytogenetic location: 10q23.31.
Variant type: single nucleotide variant.
Coding change: c.849+1G>C on transcript NM_014391.3 (MANE Select); the canonical splice donor site of the intron after coding-DNA position 849, G replaced by C.
Molecular consequence: splice donor variant.
Genome position (GRCh38, 1-based): chr10:90,915,542, C>G on the plus strand (G>C on the coding strand, the complement: ANKRD1 is on the minus strand). VCF-style: chr10-90915542-C-G. GRCh37 (hg19) VCF-style: chr10-92675299-C-G.
Identifiers: ClinVar variation 477612 (VCV000477612.9), dbSNP rs1187266733, ClinGen allele CA377549429.